The following is an entry in ClinVar:

ClinVar aggregate classification (germline): Uncertain significance. Review status: criteria provided, multiple submitters, no conflicts (2 of 4 stars). 2 submissions from 2 submitters: Uncertain significance (2). Last evaluated 2022-06-22.

Allele frequency attached by ClinVar (database versions not stated): gnomAD exomes below 0.00001; gnomAD 0.00001; TOPMed 0.00002.
gnomAD v4.1: 2 of 1,613,980 alleles (0.00012%); highest among the groups gnomAD compares: African/African-American, 0.0013%; no homozygotes.

Submissions (2):

Labcorp Genetics (formerly Invitae), Labcorp
Classification: Uncertain significance. Last evaluated: 2022-06-22. Review status: criteria provided, single submitter. Criteria: Invitae Variant Classification Sherloc (09022015). Collection method: clinical testing. Allele origin: germline.
Comment: This variant is not present in population databases (gnomAD no frequency). In summary, the available evidence is currently insufficient to determine the role of this variant in disease. Therefore, it has been classified as a Variant of Uncertain Significance. Algorithms developed to predict the effect of missense changes on protein structure and function are either unavailable or do not agree on the potential impact of this missense change (SIFT: "Deleterious"; PolyPhen-2: "Benign"; Align-GVGD: "Class C25"). This variant has not been reported in the literature in individuals affected with RBP4-related conditions. This sequence change replaces aspartic acid, which is acidic and polar, with valine, which is neutral and non-polar, at codon 86 of the RBP4 protein (p.Asp86Val).

Blueprint Genetics
Classification: Uncertain significance. Last evaluated: 2021-09-21. Review status: criteria provided, single submitter. Criteria: ACMG Guidelines, 2015. Collection method: clinical testing. Allele origin: germline.

NM_006744.4(RBP4):c.257A>T (p.Asp86Val)

Gene: RBP4 (retinol binding protein 4; minus strand). Cytogenetic location: 10q23.33.
Variant type: single nucleotide variant.
Coding change: c.257A>T on transcript NM_006744.4 (MANE Select); coding-DNA position 257, A replaced by T.
Protein change: p.Asp86Val; replaces aspartic acid 86 with valine.
Molecular consequence: missense variant.
Genome position (GRCh38, 1-based): chr10:93,600,491, T>A on the plus strand (A>T on the coding strand, the complement: RBP4 is on the minus strand). VCF-style: chr10-93600491-T-A. GRCh37 (hg19) VCF-style: chr10-95360248-T-A.
Other names: c.257A>T, p.Asp86Val (NM_001323517.1); c.251A>T, p.Asp84Val (NM_001323518.2); short protein forms D84V, D86V.
Identifiers: ClinVar variation 1943399 (VCV001943399.6), dbSNP rs1340137234, ClinGen allele CA377617627.